The following is an entry in ClinVar:

NM_000080.4(CHRNE):c.884_885del (p.Pro295fs)

Genes: C17orf107 (chromosome 17 open reading frame 107; plus strand), CHRNE (cholinergic receptor nicotinic epsilon subunit; minus strand). Cytogenetic location: 17p13.2.
Variant type: Deletion.
Coding change: c.884_885del on transcript NM_000080.4 (MANE Select); coding-DNA positions 884 to 885, 2 bases deleted (CA; older notation c.884_885delCA).
Protein change: p.Pro295fs; shifts the reading frame from proline 295.
Molecular consequence: frameshift variant. On other transcripts: 3 prime UTR variant (1).
Genome position (GRCh38, 1-based): chr17:4,900,825-4,900,826, TG deleted on the plus strand (CA on the coding strand, the reverse complement: CHRNE is on the minus strand). VCF-style (leftmost placement, unchanged base first): chr17-4900824-CTG-C. GRCh37 (hg19) VCF-style: chr17-4804119-CTG-C.
Other names: c.*292_*293del (NM_001145536.2); short protein forms P295fs.
Identifiers: ClinVar variation 5014235 (VCV005014235.1).

ClinVar aggregate classification (germline): Pathogenic (1 of 4 stars; one submission).

Conditions:
Congenital myasthenic syndrome (CMS). Also called: Congenital Myasthenic Syndromes. Identifiers: Orphanet 590, MedGen C0751882, MeSH D020294, MONDO:0018940.

Submission:

Myriad Genetics, Inc.
Classification: Pathogenic for Congenital myasthenic syndrome. Last evaluated: 2025-03-20. Review status: criteria provided, single submitter. Criteria: Myriad Autosomal Dominant, Autosomal Recessive and X-Linked Classification Criteria (2023). Collection method: clinical testing. Allele origin: unknown.
Comment: NM_000080.3(CHRNE):c.884_885delCA(P295Rfs*101) is expected to be pathogenic in the context of congenital myasthenic syndrome, CHRNE-related. This variant is predicted to lead to an abnormal or absent protein product due to the creation of a premature termination codon in CHRNE, a gene where loss-of-function variants are known to be pathogenic. Please note: this variant was assessed in the context of healthy population screening.